The following is an entry in ClinVar:

NM_013275.6(ANKRD11):c.4436G>C (p.Arg1479Thr)

Gene: ANKRD11 (ankyrin repeat domain containing 11; minus strand). Cytogenetic location: 16q24.3.
Variant type: single nucleotide variant.
Coding change: c.4436G>C on transcript NM_013275.6 (MANE Select); coding-DNA position 4436, G replaced by C.
Protein change: p.Arg1479Thr; replaces arginine 1479 with threonine.
Molecular consequence: missense variant.
Genome position (GRCh38, 1-based): chr16:89,282,106, C>G on the plus strand (G>C on the coding strand, the complement: ANKRD11 is on the minus strand). VCF-style: chr16-89282106-C-G. GRCh37 (hg19) VCF-style: chr16-89348514-C-G.
Other names: c.4436G>C, p.Arg1479Thr (NM_001256182.2, NM_001256183.2); short protein forms R1479T.
Identifiers: ClinVar variation 1693365 (VCV001693365.2), dbSNP rs1251036568, ClinGen allele CA397157570.

ClinVar aggregate classification (germline): Uncertain significance (1 of 4 stars; one submission).

Submission:

GeneDx
Classification: Uncertain significance. Last evaluated: 2022-06-28. Review status: criteria provided, single submitter. Criteria: GeneDx Variant Classification Process June 2021. Collection method: clinical testing. Allele origin: germline. Affected: yes.
Comment: Not observed in large population cohorts (gnomAD); In silico analysis supports that this missense variant does not alter protein structure/function; Has not been previously published as pathogenic or benign to our knowledge